The following is an entry in ClinVar:

NM_001017995.3(SH3PXD2B):c.*306C>A

Gene: SH3PXD2B (SH3 and PX domains 2B; minus strand). Cytogenetic location: 5q35.1.
Variant type: single nucleotide variant.
Coding change: c.*306C>A on transcript NM_001017995.3 (MANE Select); 306 bases downstream of the stop codon, C replaced by A.
Molecular consequence: 3 prime UTR variant. On other transcripts: intron variant (1).
Genome position (GRCh38, 1-based): chr5:172,338,063, G>T on the plus strand (C>A on the coding strand, the complement: SH3PXD2B is on the minus strand). VCF-style: chr5-172338063-G-T. GRCh37 (hg19) VCF-style: chr5-171765067-G-T.
Other names: c.1188+8073C>A (NM_001308175.2).
Identifiers: ClinVar variation 352796 (VCV000352796.5), dbSNP rs142853015, ClinGen allele CA10621304.

ClinVar aggregate classification (germline): Likely benign (1 of 4 stars; one submission).

Conditions:
Frank-Ter Haar syndrome. Also called: BORRONE DERMATOCARDIOSKELETAL SYNDROME; TER HAAR SYNDROME; MELNICK-NEEDLES SYNDROME, AUTOSOMAL RECESSIVE; Borrone di Rocco Crovato syndrome. Identifiers: Orphanet 1266, Orphanet 137834, MedGen C1855305, MONDO:0009579, OMIM 249420.

Allele frequency attached by ClinVar (database versions not stated): 1000 Genomes Project 0.00319; 1000 Genomes Project 30x 0.00328; TOPMed 0.00340; gnomAD 0.00345 and 0.00351.
gnomAD v4.1: 7,124 of 1,307,660 alleles (0.54%); highest among the groups gnomAD compares: Middle Eastern, 0.67%; 34 homozygotes.

Submission:

Illumina Laboratory Services, Illumina
Classification: Likely benign for Frank-Ter Haar syndrome. Last evaluated: 2018-01-13. Review status: criteria provided, single submitter. Criteria: ICSL Variant Classification Criteria 13 December 2019. Collection method: clinical testing. Allele origin: germline.
Comment: This variant was observed in the ICSL laboratory as part of a predisposition screen in an ostensibly healthy population. It had not been previously curated by ICSL or reported in the Human Gene Mutation Database (HGMD: prior to June 1st, 2018), and was therefore a candidate for classification through an automated scoring system. Utilizing variant allele frequency, disease prevalence and penetrance estimates, and inheritance mode, an automated score was calculated to assess if this variant is too frequent to cause the disease. Based on the score and internal cut-off values, a variant classified as likely benign is not then subjected to further curation. The score for this variant resulted in a classification of likely benign for this disease.